The following is an entry in ClinVar:

NM_001085487.3(MYSM1):c.550C>A (p.Leu184Ile)

Gene: MYSM1 (Myb like, SWIRM and MPN domains 1; minus strand). Cytogenetic location: 1p32.1.
Variant type: single nucleotide variant.
Coding change: c.550C>A on transcript NM_001085487.3 (MANE Select); coding-DNA position 550, C replaced by A.
Protein change: p.Leu184Ile; replaces leucine 184 with isoleucine.
Molecular consequence: missense variant.
Genome position (GRCh38, 1-based): chr1:58,682,494, G>T on the plus strand (C>A on the coding strand, the complement: MYSM1 is on the minus strand). VCF-style: chr1-58682494-G-T. GRCh37 (hg19) VCF-style: chr1-59148166-G-T.
Other names: short protein forms L184I.
Identifiers: ClinVar variation 1953813 (VCV001953813.4), dbSNP rs968906103, ClinGen allele CA22873058.

ClinVar aggregate classification (germline): Uncertain significance (1 of 4 stars; one submission).

Allele frequency attached by ClinVar (database versions not stated): gnomAD exomes below 0.00001; gnomAD 0.00001.
gnomAD v4.1: 3 of 1,613,466 alleles (0.00019%); highest among the groups gnomAD compares: Admixed American, 0.005%; no homozygotes.

Submission:

Labcorp Genetics (formerly Invitae), Labcorp
Classification: Uncertain significance. Last evaluated: 2021-12-19. Review status: criteria provided, single submitter. Criteria: Invitae Variant Classification Sherloc (09022015). Collection method: clinical testing. Allele origin: germline.
Comment: In summary, the available evidence is currently insufficient to determine the role of this variant in disease. Therefore, it has been classified as a Variant of Uncertain Significance. Algorithms developed to predict the effect of missense changes on protein structure and function output the following: SIFT: "Tolerated"; PolyPhen-2: "Benign"; Align-GVGD: "Class C0". The isoleucine amino acid residue is found in multiple mammalian species, which suggests that this missense change does not adversely affect protein function. This variant has not been reported in the literature in individuals affected with MYSM1-related conditions. This variant is not present in population databases (gnomAD no frequency). This sequence change replaces leucine, which is neutral and non-polar, with isoleucine, which is neutral and non-polar, at codon 184 of the MYSM1 protein (p.Leu184Ile).